The following is an entry in ClinVar:

NM_001365276.2(TNXB):c.5517G>T (p.Arg1839Ser)

Gene: TNXB (tenascin XB; minus strand). Cytogenetic location: 6p21.33.
Variant type: single nucleotide variant.
Coding change: c.5517G>T on transcript NM_001365276.2 (MANE Select); coding-DNA position 5517, G replaced by T.
Protein change: p.Arg1839Ser; replaces arginine 1839 with serine.
Molecular consequence: missense variant.
Genome position (GRCh38, 1-based): chr6:32,069,623, C>A on the plus strand (G>T on the coding strand, the complement: TNXB is on the minus strand). VCF-style: chr6-32069623-C-A. GRCh37 (hg19) VCF-style: chr6-32037400-C-A.
Other names: c.6258G>T, p.Arg2086Ser (NM_001428335.1); c.5517G>T, p.Arg1839Ser (NM_019105.8); short protein forms R1839S, R2086S.
Identifiers: ClinVar variation 3896538 (VCV003896538.2).

ClinVar aggregate classification (germline): Uncertain significance (1 of 4 stars; one submission).

gnomAD v4.1: 2 of 1,611,260 alleles (0.00012%); highest among the groups gnomAD compares: Non-Finnish European, 0.00017%; no homozygotes.

Submission:

Women's Health and Genetics/Laboratory Corporation of America, LabCorp
Classification: Uncertain significance. Last evaluated: 2025-04-02. Review status: criteria provided, single submitter. Criteria: LabCorp Variant Classification Summary - May 2015. Collection method: clinical testing. Allele origin: germline.
Comment: Variant summary: TNXB c.5517G>T (p.Arg1839Ser) results in a non-conservative amino acid change located in the Fibronectin type III domain (IPR003961) of the encoded protein sequence. Three of five in-silico tools predict a damaging effect of the variant on protein function. The variant allele was found at a frequency of 4.1e-06 in 246476 control chromosomes. The available data on variant occurrences in the general population are insufficient to allow any conclusion about variant significance. To our knowledge, no occurrence of c.5517G>T in individuals affected with Ehlers-Danlos syndrome due to tenascin-X deficiency and no experimental evidence demonstrating its impact on protein function have been reported. No submitters have cited clinical-significance assessments for this variant to ClinVar. Based on the evidence outlined above, the variant was classified as uncertain significance.